The following is an entry in ClinVar:

NC_000003.11:g.(?_107937362)_(107938439_?)dup

Gene: IFT57 (intraflagellar transport 57; minus strand). Cytogenetic location: 3q13.13.
Variant type: Duplication.
Identifiers: ClinVar variation 3247024 (VCV003247024.1).

ClinVar aggregate classification (germline): Uncertain significance (1 of 4 stars; one submission).

Submission:

Labcorp Genetics (formerly Invitae), Labcorp
Classification: Uncertain significance. Last evaluated: 2023-09-21. Review status: criteria provided, single submitter. Criteria: Invitae Variant Classification Sherloc (09022015). Collection method: clinical testing. Allele origin: unknown.
Comment: Experimental studies and prediction algorithms are not available or were not evaluated, and the functional significance of this variant is currently unknown. This variant is a gross deletion of the genomic region encompassing exon(s) 2-3 of the IFT57 gene. This variant would be expected to be in-frame, preserving the integrity of the reading frame. This variant has not been reported in the literature in individuals affected with IFT57-related conditions. In summary, the available evidence is currently insufficient to determine the role of this variant in disease. Therefore, it has been classified as a Variant of Uncertain Significance.